The following is an entry in ClinVar:

NM_000059.4(BRCA2):c.4965delinsGA (p.Tyr1655Ter)

Gene: BRCA2 (BRCA2 DNA repair associated; plus strand). Cytogenetic location: 13q13.1.
Variant type: Indel.
Coding change: c.4965delinsGA on transcript NM_000059.4 (MANE Select); coding-DNA position 4965, C replaced by GA.
Protein change: p.Tyr1655Ter; replaces tyrosine 1655 with a stop codon.
Molecular consequence: nonsense.
Genome position (GRCh38, 1-based): chr13:32,339,320, C replaced by GA. VCF-style: chr13-32339320-C-GA. GRCh37 (hg19) VCF-style: chr13-32913457-C-GA.
Other names: c.4965delCinsGA (NM_000059.3); short protein forms Y1655*.
Identifiers: ClinVar variation 254545 (VCV000254545.2), dbSNP rs886038113, ClinGen allele CA10586531.

ClinVar aggregate classification (germline): Pathogenic (3 of 4 stars; one submission).

Conditions:
Breast-ovarian cancer, familial, susceptibility to, 2 (BROVCA2). Also called: BRCA2 Hereditary Breast and Ovarian Cancer. Identifiers: Orphanet 145, MedGen C2675520, MONDO:0012933, OMIM 612555. Disease mechanism: loss of function.

Submission:

Evidence-based Network for the Interpretation of Germline Mutant Alleles (ENIGMA)
Classification: Pathogenic for Breast-ovarian cancer, familial, susceptibility to, 2. Last evaluated: 2016-09-08. Review status: reviewed by expert panel. Criteria: ENIGMA BRCA1/2 Classification Criteria (2015). Collection method: curation. Allele origin: germline.
Comment: Variant allele predicted to encode a truncated non-functional protein.